The following is an entry in ClinVar:

NM_000465.4(BARD1):c.1127C>T (p.Ser376Leu)

Gene: BARD1 (BRCA1 associated RING domain 1; minus strand). Cytogenetic location: 2q35.
Variant type: single nucleotide variant.
Coding change: c.1127C>T on transcript NM_000465.4 (MANE Select); coding-DNA position 1127, C replaced by T.
Protein change: p.Ser376Leu; replaces serine 376 with leucine.
Molecular consequence: missense variant. On other transcripts: non-coding transcript variant (2), intron variant (3).
Genome position (GRCh38, 1-based): chr2:214,780,747, G>A on the plus strand (C>T on the coding strand, the complement: BARD1 is on the minus strand). VCF-style: chr2-214780747-G-A. GRCh37 (hg19) VCF-style: chr2-215645471-G-A.
Other names: c.1070C>T, p.Ser357Leu (NM_001282543.2); c.159-28192C>T (NM_001282548.2); c.215+16314C>T (NM_001282545.2); c.364+11550C>T (NM_001282549.2); short protein forms S376L, S357L.
Identifiers: ClinVar variation 142247 (VCV000142247.36), dbSNP rs587782333, ClinGen allele CA167877.

ClinVar aggregate classification (germline): Conflicting classifications of pathogenicity. Review status: criteria provided, conflicting classifications (1 of 4 stars). 14 submissions from 14 submitters: Uncertain significance (10); Likely benign (4). Last evaluated 2026-06-18.

Conditions:
BARD1-related cancer predisposition. Identifiers: MedGen CN377756, MONDO:0700267.
BARD1-related disorder. Also called: BARD1-related condition.
Hereditary cancer-predisposing syndrome. Also called: Tumor predisposition; Neoplastic Syndromes, Hereditary; Hereditary neoplastic syndrome; Hereditary Cancer Syndrome. Identifiers: Orphanet 140162, MedGen C0027672, MeSH D009386, MONDO:0015356.
Hereditary breast ovarian cancer syndrome. Also called: Hereditary breast and ovarian cancer syndrome; Hereditary breast and ovarian cancer; Hereditary breast and ovarian cancer syndrome (HBOC); Hereditary breast and/or ovarian cancer syndrome; BRCA1- and BRCA2-Associated Hereditary Breast and Ovarian Cancer; Breast and ovarian cancer. Identifiers: Orphanet 145, MedGen C0677776, MeSH D061325, MONDO:0003582. Disease mechanism: loss of function.
Familial cancer of breast. Also called: BREAST CANCER, FAMILIAL; Hereditary breast cancer; hereditary breast carcinoma. Identifiers: Orphanet 227535, MedGen C0346153, MONDO:0016419, OMIM 114480. Disease mechanism: loss of function.

Allele frequency attached by ClinVar (database versions not stated): TOPMed 0.00003; gnomAD exomes 0.00004 and 0.00006; gnomAD 0.00009; ExAC 0.00012.
gnomAD v4.1: 78 of 1,613,888 alleles (0.0048%); highest among the groups gnomAD compares: Non-Finnish European, 0.0062%; no homozygotes.

Submissions (14):

PreventionGenetics, part of Exact Sciences
Classification: Uncertain significance for BARD1-related condition. Last evaluated: 2026-06-18. Review status: criteria provided, single submitter. Criteria: ACMG Guidelines, 2015. Collection method: clinical testing. Allele origin: germline.
Comment: The BARD1 c.1127C>T variant is predicted to result in the amino acid substitution p.Ser376Leu. This variant was reported in a study of individuals with a personal or family history of breast and/or ovarian cancer (See Supp. Table S5 in Tsaousis et al 2019. PubMed ID: 31159747). This variant is reported in 0.018% of alleles in individuals of European (Non-Finnish) descent in gnomAD and is listed in ClinVar with conflicting interpretations of likely benign and uncertain significance (Variation ID: 142247). Although we suspect that this variant may be benign, at this time, the clinical significance of this variant is uncertain due to the absence of conclusive functional and genetic evidence.

Labcorp Genetics (formerly Invitae), Labcorp
Classification: Uncertain significance for Familial cancer of breast. Last evaluated: 2025-12-31. Review status: criteria provided, single submitter. Criteria: Invitae Variant Classification Sherloc (09022015). Collection method: clinical testing. Allele origin: germline.
Comment: This sequence change replaces serine, which is neutral and polar, with leucine, which is neutral and non-polar, at codon 376 of the BARD1 protein (p.Ser376Leu). This variant is present in population databases (rs587782333, gnomAD 0.02%). This missense change has been observed in individual(s) with hereditary cancer (PMID: 31159747). ClinVar contains an entry for this variant (Variation ID: 142247). An algorithm developed to predict the effect of missense changes on protein structure and function outputs the following: PolyPhen-2: "Benign". The leucine amino acid residue is found in multiple mammalian species, which suggests that this missense change does not adversely affect protein function. In summary, the available evidence is currently insufficient to determine the role of this variant in disease. Therefore, it has been classified as a Variant of Uncertain Significance.

Center for Genomic Medicine, Rigshospitalet, Copenhagen University Hospital
Classification: Uncertain significance. Last evaluated: 2025-12-29. Review status: criteria provided, single submitter. Criteria: ACMG Guidelines, 2015. Collection method: clinical testing. Allele origin: germline.

Women's Health and Genetics/Laboratory Corporation of America, LabCorp
Classification: Uncertain significance. Last evaluated: 2025-09-29. Review status: criteria provided, single submitter. Criteria: LabCorp Variant Classification Summary - May 2015. Collection method: clinical testing. Allele origin: germline.
Comment: Variant summary: BARD1 c.1127C>T (p.Ser376Leu) results in a non-conservative amino acid change in the encoded protein sequence. Algorithms developed to predict the effect of missense changes on protein structure and function are either unavailable or do not agree on the potential impact of this missense change. The variant allele was found at a frequency of 6.4e-05 in 251330 control chromosomes, predominantly at a frequency of 0.00013 within the Non-Finnish European subpopulation in the gnomAD database. This frequency is not significantly higher than estimated for disease-causing variants in BARD1, allowing no conclusion about variant significance. c.1127C>T has been reported in the literature in individuals who underwent genetic testing for familial cancers (e.g. Tsaousis_2019), but also in healthy controls (e.g. Ramus_2015). These reports do not provide unequivocal conclusions about association of the variant with Breast Cancer. To our knowledge, no experimental evidence demonstrating an impact on protein function has been reported. The following publications have been ascertained in the context of this evaluation (PMID: 36187937, 26315354, 30541756, 31159747). ClinVar contains an entry for this variant (Variation ID: 142247). Based on the evidence outlined above, the variant was classified as uncertain significance.

German Consortium for Hereditary Breast and Ovarian Cancer, University Hospital Cologne
Classification: Likely benign for Hereditary breast ovarian cancer syndrome. Last evaluated: 2025-04-02. Review status: criteria provided, single submitter. Criteria: ACMG Guidelines, 2015. Collection method: curation. Allele origin: germline.
Comment: According to the ACMG SVI adaptation criteria we chose these criteria: BP1 (supporting benign): missense variants =VUS in HGMD/ClinVar; Missense 447 observed/415 expected: o/e = 1.08, BP4 (supporting benign): REVEL = 0.082 (as per Pejaver (2022, PMID: 36413997))

Quest Diagnostics Nichols Institute San Juan Capistrano
Classification: Uncertain significance. Last evaluated: 2025-01-10. Review status: criteria provided, single submitter. Criteria: Quest Diagnostics criteria. Collection method: clinical testing. Allele origin: unknown.
Comment: The BARD1 c.1127C>T (p.Ser376Leu) variant has been reported in the published literature in individuals with a personal and/or family history of breast cancer and/or ovarian cancer (PMID: 31159747 (2019)), an individual with pediatric sarcoma (PMID: 36187937 (2022)), and reportedly healthy individuals (PMID: 26315354 (2015)). In a large scale breast cancer association study, this variant has been observed in breast cancer cases and reportedly healthy individuals (PMID: 33471991 (2021), see also LOVD). The frequency of this variant in the general population (Genome Aggregation Database) is higher than would generally be expected for pathogenic variants in this gene. Analysis of this variant using bioinformatics tools for the prediction of the effect of amino acid changes on protein structure and function yielded predictions that this variant is benign. Based on the available information, we are unable to determine the clinical significance of this variant.

Blueprint Genetics
Classification: Likely benign. Last evaluated: 2024-08-20. Review status: criteria provided, single submitter. Criteria: ACMG Guidelines, 2015. Collection method: clinical testing. Allele origin: germline.

GeneDx
Classification: Uncertain significance. Last evaluated: 2023-06-20. Review status: criteria provided, single submitter. Criteria: GeneDx Variant Classification Process June 2021. Collection method: clinical testing. Allele origin: germline. Affected: yes.
Comment: In silico analysis supports that this missense variant does not alter protein structure/function; Observed in an individual undergoing multigene testing for hereditary cancer, as well as both cases and controls in a breast cancer study, and absent in cases but present in controls in an ovarian cancer study (Ramus et al., 2015; Tsaousis et al., 2019; Dorling et al., 2021); This variant is associated with the following publications: (PMID: 26315354, 33471991, 30541756, 31159747, 36187937)

MGZ Medical Genetics Center
Classification: Uncertain significance for Familial cancer of breast. Last evaluated: 2022-06-07. Review status: criteria provided, single submitter. Criteria: ACMG Guidelines, 2015. Collection method: clinical testing. Allele origin: germline. Affected: yes. Observed: 1 variant allele.
Comment: ACMG criteria applied: PS4_SUP, PM2_SUP, BP4

Sema4
Classification: Uncertain significance for Hereditary cancer-predisposing syndrome. Last evaluated: 2022-02-28. Review status: criteria provided, single submitter. Criteria: Sema4 Curation Guidelines. Collection method: curation. Allele origin: germline.
Comment: The BARD1 c.1127C>T (p.S376L) variant has been reported in heterozygosity in multiple individuals with breast and/or ovarian cancer (PMID: 33471991, 31159747) as well as in healthy controls (PMID: 33471991, 26315354). This variant was observed in 23/129076 chromosomes in the Non-Finnish European population, with no homozygotes, according to the Genome Aggregation Database (PMID: 32461654). This variant has been reported in ClinVar (Variation ID: 142247). In silico tools suggest the impact of the variant on protein function is benign, though these predictions have not been confirmed by functional studies. The overall evidence is inconsistent with ACMG/AMP requirements for a classification of benign or pathogenic. In summary, the clinical significance of this variant is currently uncertain.

Color Diagnostics, LLC DBA Color Health
Classification: Likely benign for Hereditary cancer-predisposing syndrome. Last evaluated: 2022-01-11. Review status: criteria provided, single submitter. Criteria: ACMG Guidelines, 2015. Collection method: clinical testing. Allele origin: germline.

Department of Pathology and Laboratory Medicine, Sinai Health System
Classification: Uncertain significance for BARD1-related cancer predisposition. Last evaluated: 2019-12-11. Review status: criteria provided, single submitter. Criteria: ACMG Guidelines, 2015. Collection method: clinical testing. Allele origin: germline. Affected: no.

Ambry Genetics
Classification: Likely benign for Hereditary cancer-predisposing syndrome. Last evaluated: 2018-11-29. Review status: criteria provided, single submitter. Criteria: Ambry Variant Classification Scheme 2023. Collection method: clinical testing. Allele origin: germline.

GeneKor MSA
Classification: Uncertain significance for Hereditary cancer-predisposing syndrome. Last evaluated: 2018-08-01. Review status: criteria provided, single submitter. Criteria: ACMG Guidelines, 2015. Collection method: clinical testing. Allele origin: germline. Affected: yes.

Literature cited by the submitters: PubMed 31159747 (cited by 4 submitters); PubMed 26315354 (cited by 3 submitters); PubMed 30541756 (cited by Women's Health and Genetics/Laboratory Corporation of America, LabCorp); PubMed 36187937 (cited by Women's Health and Genetics/Laboratory Corporation of America, LabCorp and Quest Diagnostics Nichols Institute San Juan Capistrano); PubMed 33471991 (cited by Quest Diagnostics Nichols Institute San Juan Capistrano and Sema4).